The following is an entry in ClinVar:

ClinVar aggregate classification (germline): Likely benign. Review status: criteria provided, single submitter (1 of 4 stars). 2 submissions from 2 submitters: Likely benign (1). 1 of the submissions does not count toward it. Last evaluated 2025-09-27.

Conditions:
RAI1-related disorder. Also called: RAI1-related condition.

Allele frequency attached by ClinVar (database versions not stated): gnomAD 0.00001 and 0.00002; gnomAD exomes 0.00001; ExAC 0.00002; TOPMed 0.00002.

Submissions (2):

Labcorp Genetics (formerly Invitae), Labcorp
Classification: Likely benign. Last evaluated: 2025-09-27. Review status: criteria provided, single submitter. Criteria: Invitae Variant Classification Sherloc (09022015). Collection method: clinical testing. Allele origin: germline.

PreventionGenetics, part of Exact Sciences
Classification: Likely benign for RAI1-related condition. Last evaluated: 2021-04-06. Review status: no assertion criteria provided. Collection method: clinical testing. Allele origin: germline. Not counted in ClinVar's aggregate classification.
Comment: This variant is classified as likely benign based on ACMG/AMP sequence variant interpretation guidelines (Richards et al. 2015 PMID: 25741868, with internal and published modifications).

NM_030665.4(RAI1):c.1773G>A (p.Glu591=)

Gene: RAI1 (retinoic acid induced 1; plus strand). Cytogenetic location: 17p11.2.
Variant type: single nucleotide variant.
Coding change: c.1773G>A on transcript NM_030665.4 (MANE Select); coding-DNA position 1773, G replaced by A.
Protein change: p.Glu591=; no amino-acid change (glutamic acid 591 retained).
Molecular consequence: synonymous variant.
Genome position (GRCh38, 1-based): chr17:17,794,721, G>A. VCF-style: chr17-17794721-G-A. GRCh37 (hg19) VCF-style: chr17-17698035-G-A.
Other names: c.1773G>A (NM_030665.3).
Identifiers: ClinVar variation 1539866 (VCV001539866.9), dbSNP rs369426616, ClinGen allele CA8418397.
Genomic context (GRCh38, chr17:17,794,721, plus strand): 5'-CTTCCAGAGCCTACACGGCAGTCTGCCGCTCGACAGCTTCTCCAAGTTCGTGGCGGGTGA[G>A]CGGGACTGTCCGCGGCTGCTGCTCAGCGCCCTGGCACAGGAGGACCTGGCCTCCGAGATC-3'
Protein context (NP_109590.3, residues 581-601): LDSFSKFVAG[Glu591=]RDCPRLLLSA